The following is an entry in ClinVar:

NM_006412.4(AGPAT2):c.*157C>T

Gene: AGPAT2 (1-acylglycerol-3-phosphate O-acyltransferase 2; minus strand). Cytogenetic location: 9q34.3.
Variant type: single nucleotide variant.
Coding change: c.*157C>T on transcript NM_006412.4 (MANE Select); 157 bases downstream of the stop codon, C replaced by T.
Molecular consequence: 3 prime UTR variant.
Genome position (GRCh38, 1-based): chr9:136,673,595, G>A on the plus strand (C>T on the coding strand, the complement: AGPAT2 is on the minus strand). VCF-style: chr9-136673595-G-A. GRCh37 (hg19) VCF-style: chr9-139568047-G-A.
Other names: c.*157C>T (NM_001012727.2).
Identifiers: ClinVar variation 365913 (VCV000365913.12), dbSNP rs4880119, ClinGen allele CA10629616.

ClinVar aggregate classification (germline): Benign. Review status: criteria provided, multiple submitters, no conflicts (2 of 4 stars). 4 submissions from 4 submitters: Benign (4). Last evaluated 2021-07-14.

Conditions:
Congenital generalized lipodystrophy type 1 (CGL1). Also called: BRUNZELL SYNDROME, AGPAT2-RELATED; Berardinelli-Seip Congenital Lipodystrophy Type 1. Identifiers: Orphanet 528, Orphanet 696189, MedGen C1720862, MONDO:0012071, OMIM 608594.

Allele frequency attached by ClinVar (database versions not stated): TOPMed 0.76482; gnomAD 0.76858 and 0.77626; 1000 Genomes Project 30x 0.79263; 1000 Genomes Project 0.80052; gnomAD exomes 0.83816.
gnomAD v4.1: 683,819 of 827,698 alleles (83%); highest among the groups gnomAD compares: East Asian, 94%; 284,370 homozygotes.

Submissions (4):

Genome-Nilou Lab
Classification: Benign for Congenital generalized lipodystrophy type 1. Last evaluated: 2021-07-14. Review status: criteria provided, single submitter. Criteria: ACMG Guidelines, 2015. Collection method: clinical testing. Allele origin: germline. Affected: no.

GeneDx
Classification: Benign. Last evaluated: 2021-05-08. Review status: criteria provided, single submitter. Criteria: GeneDx Variant Classification Process June 2021. Collection method: clinical testing. Allele origin: germline. Affected: yes.

Illumina Laboratory Services, Illumina
Classification: Benign for Congenital generalized lipodystrophy type 1. Last evaluated: 2018-01-13. Review status: criteria provided, single submitter. Criteria: ICSL Variant Classification Criteria 13 December 2019. Collection method: clinical testing. Allele origin: germline.
Comment: This variant was observed in the ICSL laboratory as part of a predisposition screen in an ostensibly healthy population. It had not been previously curated by ICSL or reported in the Human Gene Mutation Database (HGMD: prior to June 1st, 2018), and was therefore a candidate for classification through an automated scoring system. Utilizing variant allele frequency, disease prevalence and penetrance estimates, and inheritance mode, an automated score was calculated to assess if this variant is too frequent to cause the disease. Based on the score and internal cut-off values, a variant classified as benign is not then subjected to further curation. The score for this variant resulted in a classification of benign for this disease.

Breakthrough Genomics
Classification: Benign. Review status: criteria provided, single submitter. Criteria: ACMG Guidelines, 2015. Collection method: not provided. Allele origin: germline. Inheritance: Autosomal recessive inheritance. Affected: yes.